The following is an entry in ClinVar:

ClinVar aggregate classification (germline): Uncertain significance (1 of 4 stars; one submission).

gnomAD v4.1: 1 of 1,611,428 alleles (0.000062%); highest among the groups gnomAD compares: Admixed American, 0.0017%; no homozygotes.

Submission:

Labcorp Genetics (formerly Invitae), Labcorp
Classification: Uncertain significance. Last evaluated: 2022-08-25. Review status: criteria provided, single submitter. Criteria: Invitae Variant Classification Sherloc (09022015). Collection method: clinical testing. Allele origin: germline.
Comment: In summary, the available evidence is currently insufficient to determine the role of this variant in disease. Therefore, it has been classified as a Variant of Uncertain Significance. Algorithms developed to predict the effect of missense changes on protein structure and function are either unavailable or do not agree on the potential impact of this missense change (SIFT: "Deleterious"; PolyPhen-2: "Benign"; Align-GVGD: "Class C0"). This variant has not been reported in the literature in individuals affected with FBXO11-related conditions. This variant is present in population databases (no rsID available, gnomAD 0.003%). This sequence change replaces proline, which is neutral and non-polar, with serine, which is neutral and polar, at codon 213 of the FBXO11 protein (p.Pro213Ser).

NM_001190274.2(FBXO11):c.637C>T (p.Pro213Ser)

Gene: FBXO11 (F-box protein 11; minus strand). Cytogenetic location: 2p16.3.
Variant type: single nucleotide variant.
Coding change: c.637C>T on transcript NM_001190274.2 (MANE Select); coding-DNA position 637, C replaced by T.
Protein change: p.Pro213Ser; replaces proline 213 with serine.
Molecular consequence: missense variant.
Genome position (GRCh38, 1-based): chr2:47,835,952, G>A on the plus strand (C>T on the coding strand, the complement: FBXO11 is on the minus strand). VCF-style: chr2-47835952-G-A. GRCh37 (hg19) VCF-style: chr2-48063091-G-A.
Other names: c.385C>T, p.Pro129Ser (NM_001374325.1, NM_025133.4); short protein forms P129S, P213S.
Identifiers: ClinVar variation 1717978 (VCV001717978.5), dbSNP rs1486808464, ClinGen allele CA346812326.